The following is an entry in ClinVar:

NM_001253697.2(ERBIN):c.3320A>G (p.Tyr1107Cys)

Gene: ERBIN (erbb2 interacting protein; plus strand). Cytogenetic location: 5q12.3.
Variant type: single nucleotide variant.
Coding change: c.3320A>G on transcript NM_001253697.2 (MANE Select); coding-DNA position 3320, A replaced by G.
Protein change: p.Tyr1107Cys; replaces tyrosine 1107 with cysteine.
Molecular consequence: missense variant.
Genome position (GRCh38, 1-based): chr5:66,054,638, A>G. VCF-style: chr5-66054638-A-G. GRCh37 (hg19) VCF-style: chr5-65350466-A-G.
Other names: c.3320A>G, p.Tyr1107Cys (NM_001006600.3, NM_001253698.2, NM_001253699.2 and 1 more transcripts); c.3308A>G, p.Tyr1103Cys (NM_001253701.2); c.3320A>G (NM_001006600.2); short protein forms Y1103C, Y1107C.
Identifiers: ClinVar variation 1558147 (VCV001558147.10), dbSNP rs201110697, ClinGen allele CA3286641.

ClinVar aggregate classification (germline): Likely benign. Review status: criteria provided, single submitter (1 of 4 stars). 2 submissions from 2 submitters: Likely benign (1). 1 of the submissions does not count toward it. Last evaluated 2025-12-19.

Conditions:
ERBIN-related disorder. Also called: ERBIN-related condition.

Allele frequency attached by ClinVar (database versions not stated): ESP Exome Variant Server 0.00008; TOPMed 0.00023; ExAC 0.00027; gnomAD exomes 0.00037; 1000 Genomes Project 0.00060; 1000 Genomes Project 30x 0.00062.
gnomAD v4.1: 154 of 1,614,134 alleles (0.0095%); highest among the groups gnomAD compares: East Asian, 0.26%; no homozygotes.

Submissions (2):

Labcorp Genetics (formerly Invitae), Labcorp
Classification: Likely benign. Last evaluated: 2025-12-19. Review status: criteria provided, single submitter. Criteria: Invitae Variant Classification Sherloc (09022015). Collection method: clinical testing. Allele origin: germline.

PreventionGenetics, part of Exact Sciences
Classification: Likely benign for ERBIN-related condition. Last evaluated: 2023-09-20. Review status: no assertion criteria provided. Collection method: clinical testing. Allele origin: germline. Not counted in ClinVar's aggregate classification.
Comment: This variant is classified as likely benign based on ACMG/AMP sequence variant interpretation guidelines (Richards et al. 2015 PMID: 25741868, with internal and published modifications).